The following is an entry in ClinVar:

ClinVar aggregate classification (germline): Uncertain significance (1 of 4 stars; one submission).

Allele frequency attached by ClinVar (database versions not stated): gnomAD 0.00001; gnomAD exomes 0.00001; TOPMed below 0.00001; ExAC 0.00001.
gnomAD v4.1: 11 of 1,614,010 alleles (0.00068%); highest among the groups gnomAD compares: Non-Finnish European, 0.00093%; no homozygotes.

Submission:

GeneDx
Classification: Uncertain significance. Last evaluated: 2019-05-07. Review status: criteria provided, single submitter. Criteria: GeneDx Variant Classification Process June 2021. Collection method: clinical testing. Allele origin: germline. Affected: yes.
Comment: Not observed at a significant frequency in large population cohorts (Lek et al., 2016); In silico analysis, which includes protein predictors and evolutionary conservation, supports that this variant does not alter protein structure/function; Has not been previously published as pathogenic or benign to our knowledge

NM_001370298.3(FGD4):c.556G>C (p.Ala186Pro)

Gene: FGD4 (FYVE, RhoGEF and PH domain containing 4; plus strand). Cytogenetic location: 12p11.21.
Variant type: single nucleotide variant.
Coding change: c.556G>C on transcript NM_001370298.3 (MANE Select); coding-DNA position 556, G replaced by C.
Protein change: p.Ala186Pro; replaces alanine 186 with proline.
Molecular consequence: missense variant. On other transcripts: 5 prime UTR variant (5), non-coding transcript variant (1), intron variant (1).
Genome position (GRCh38, 1-based): chr12:32,582,012, G>C. VCF-style: chr12-32582012-G-C. GRCh37 (hg19) VCF-style: chr12-32734946-G-C.
Other names: c.400G>C, p.Ala134Pro (NM_001304481.2); c.-700G>C (NM_001304483.2); c.-1007G>C (NM_001304484.2); c.-135G>C (NM_001330373.2, NM_001330374.2, NM_001384130.1); c.556G>C, p.Ala186Pro (NM_001384126.1); c.145G>C, p.Ala49Pro (NM_001384127.1, NM_001384128.1, NM_001384131.1 and 3 more transcripts); c.49-16485G>C (NM_001370297.1); short protein forms A134P, A186P, A49P.
Identifiers: ClinVar variation 1302624 (VCV001302624.2), dbSNP rs754942816, ClinGen allele CA6506593.